The following is an entry in ClinVar:

NM_001282534.2(KCNK9):c.477G>A (p.Met159Ile)

Gene: KCNK9 (potassium two pore domain channel subfamily K member 9; minus strand). Cytogenetic location: 8q24.3.
Variant type: single nucleotide variant.
Coding change: c.477G>A on transcript NM_001282534.2 (MANE Select); coding-DNA position 477, G replaced by A.
Protein change: p.Met159Ile; replaces methionine 159 with isoleucine.
Molecular consequence: missense variant. On other transcripts: non-coding transcript variant (1).
Genome position (GRCh38, 1-based): chr8:139,618,906, C>T on the plus strand (G>A on the coding strand, the complement: KCNK9 is on the minus strand). VCF-style: chr8-139618906-C-T. GRCh37 (hg19) VCF-style: chr8-140631149-C-T.
Other names: short protein forms M159I.
Identifiers: ClinVar variation 3256793 (VCV003256793.1).
Genomic context (GRCh38, chr8:139,618,906, plus strand): 5'-GGAGAAGGCGGCCGCCCCGATGCACAGCGTCCCCATGCAGGAGAAGAAGCCCACAGTCAC[C>T]ATGTTCTCCATAGACACGTCAGTGTTGCGCATGCCACAGCACTTCTTAATGCGCTTCAGC-3'
Protein context (NP_001269463.1, residues 149-169): MRNTDVSMEN[Met159Ile]VTVGFFSCMG

ClinVar aggregate classification (germline): Likely pathogenic (0 of 4 stars; one submission).

Conditions:
Birk-Barel syndrome. Also called: MENTAL RETARDATION WITH HYPOTONIA AND FACIAL DYSMORPHISM; KCNK9 Imprinting Syndrome. Identifiers: Orphanet 166108, MedGen C2676770, MONDO:0012856, OMIM 612292.

Submission:

Solve-RD Consortium
Classification: Likely pathogenic for Birk-Barel syndrome. Last evaluated: 2022-06-01. Review status: no assertion criteria provided. Collection method: provider interpretation. Allele origin: de novo. Affected: yes.
Comment: Variant confirmed as disease-causing by referring clinical team

Variant identified during reanalysis of unsolved cases by the Solve-RD project. The Solve-RD project has received funding from the European Union’s Horizon 2020 research and innovation programme under grant agreement No 779257.

Literature cited by the submitters: PubMed 39825153.